The following is an entry in ClinVar:

ClinVar aggregate classification (germline): Likely benign. Review status: criteria provided, multiple submitters, no conflicts (2 of 4 stars). 4 submissions from 4 submitters: Likely benign (4). Last evaluated 2025-03-31.

Conditions:
Inborn genetic diseases. Identifiers: MedGen C0950123, MeSH D030342.
Cortical dysplasia-focal epilepsy syndrome (PTHSL1). Also called: Pitt-Hopkins-like syndrome 1. Identifiers: Orphanet 163681, Orphanet 221150, MedGen C2750246, MONDO:0012400, OMIM 610042.

Allele frequency attached by ClinVar (database versions not stated): gnomAD exomes 0.00001 and 0.00003; gnomAD 0.00003 and 0.00004; TOPMed 0.00003; ExAC 0.00006; ESP Exome Variant Server 0.00008.
gnomAD v4.1: 24 of 1,613,832 alleles (0.0015%); highest among the groups gnomAD compares: Middle Eastern, 0.016%; no homozygotes.

Submissions (4):

Labcorp Genetics (formerly Invitae), Labcorp
Classification: Likely benign for Cortical dysplasia-focal epilepsy syndrome. Last evaluated: 2025-03-31. Review status: criteria provided, single submitter. Criteria: Invitae Variant Classification Sherloc (09022015). Collection method: clinical testing. Allele origin: germline.

Blueprint Genetics
Classification: Likely benign. Last evaluated: 2023-09-01. Review status: criteria provided, single submitter. Criteria: ACMG Guidelines, 2015. Collection method: clinical testing. Allele origin: germline.

Ambry Genetics
Classification: Likely benign for Inborn genetic diseases. Last evaluated: 2016-07-08. Review status: criteria provided, single submitter. Criteria: Ambry Variant Classification Scheme 2023. Collection method: clinical testing. Allele origin: germline.

GeneDx
Classification: Likely benign. Last evaluated: 2016-04-29. Review status: criteria provided, single submitter. Criteria: GeneDx Variant Classification (06012015). Collection method: clinical testing. Allele origin: germline. Affected: yes.
Comment: This variant is considered likely benign or benign based on one or more of the following criteria: it is a conservative change, it occurs at a poorly conserved position in the protein, it is predicted to be benign by multiple in silico algorithms, and/or has population frequency not consistent with disease.

NM_014141.6(CNTNAP2):c.1377C>T (p.His459=)

Gene: CNTNAP2 (contactin associated protein 2; plus strand). Cytogenetic location: 7q35.
Variant type: single nucleotide variant.
Coding change: c.1377C>T on transcript NM_014141.6 (MANE Select); coding-DNA position 1377, C replaced by T.
Protein change: p.His459=; no amino-acid change (histidine 459 retained).
Molecular consequence: synonymous variant.
Genome position (GRCh38, 1-based): chr7:147,300,169, C>T. VCF-style: chr7-147300169-C-T. GRCh37 (hg19) VCF-style: chr7-146997261-C-T.
Identifiers: ClinVar variation 385625 (VCV000385625.15), dbSNP rs377678020, ClinGen allele CA4546050.